The following is an entry in ClinVar:

NM_182914.3(SYNE2):c.10431+4A>C

Gene: SYNE2 (spectrin repeat containing nuclear envelope protein 2; plus strand). Cytogenetic location: 14q23.2.
Variant type: single nucleotide variant.
Coding change: c.10431+4A>C on transcript NM_182914.3 (MANE Select); 4 bases into the intron after coding-DNA position 10431, A replaced by C.
Molecular consequence: intron variant.
Genome position (GRCh38, 1-based): chr14:64,065,654, A>C. VCF-style: chr14-64065654-A-C. GRCh37 (hg19) VCF-style: chr14-64532372-A-C.
Other names: c.10431+4A>C (NM_015180.6).
Identifiers: ClinVar variation 2738782 (VCV002738782.3), dbSNP rs1207403253, ClinGen allele CA614735305.

ClinVar aggregate classification (germline): Uncertain significance (1 of 4 stars; one submission).

Conditions:
Emery-Dreifuss muscular dystrophy 5, autosomal dominant (EDMD5). Also called: EMERY-DREIFUSS MUSCULAR DYSTROPHY 5. Identifiers: Orphanet 261, MedGen C2751805, MONDO:0013072, OMIM 612999.

Submission:

Labcorp Genetics (formerly Invitae), Labcorp
Classification: Uncertain significance for Emery-Dreifuss muscular dystrophy 5, autosomal dominant. Last evaluated: 2022-12-21. Review status: criteria provided, single submitter. Criteria: Invitae Variant Classification Sherloc (09022015). Collection method: clinical testing. Allele origin: germline.
Comment: In summary, the available evidence is currently insufficient to determine the role of this variant in disease. Therefore, it has been classified as a Variant of Uncertain Significance. Variants that disrupt the consensus splice site are a relatively common cause of aberrant splicing (PMID: 17576681, 9536098). Algorithms developed to predict the effect of sequence changes on RNA splicing suggest that this variant may disrupt the consensus splice site. This variant has not been reported in the literature in individuals affected with SYNE2-related conditions. This variant is present in population databases (no rsID available, gnomAD 0.0009%). This sequence change falls in intron 51 of the SYNE2 gene. It does not directly change the encoded amino acid sequence of the SYNE2 protein. It affects a nucleotide within the consensus splice site.

Literature cited by the submitters: PubMed 17576681; PubMed 9536098.